The following is an entry in ClinVar:

ClinVar aggregate classification (germline): Uncertain significance (1 of 4 stars; one submission).

gnomAD v4.1: 2 of 1,588,584 alleles (0.00013%); highest among the groups gnomAD compares: African/African-American, 0.0013%; no homozygotes.

Submission:

Labcorp Genetics (formerly Invitae), Labcorp
Classification: Uncertain significance. Last evaluated: 2022-11-08. Review status: criteria provided, single submitter. Criteria: Invitae Variant Classification Sherloc (09022015). Collection method: clinical testing. Allele origin: germline.
Comment: In summary, the available evidence is currently insufficient to determine the role of this variant in disease. Therefore, it has been classified as a Variant of Uncertain Significance. Algorithms developed to predict the effect of missense changes on protein structure and function (SIFT, PolyPhen-2, Align-GVGD) all suggest that this variant is likely to be disruptive. This variant has not been reported in the literature in individuals affected with RIMS1-related conditions. This variant is present in population databases (no rsID available, gnomAD 0.009%). This sequence change replaces glutamic acid, which is acidic and polar, with aspartic acid, which is acidic and polar, at codon 348 of the RIMS1 protein (p.Glu348Asp).

NM_014989.7(RIMS1):c.1044G>C (p.Glu348Asp)

Gene: RIMS1 (regulating synaptic membrane exocytosis 1; plus strand). Cytogenetic location: 6q13.
Variant type: single nucleotide variant.
Coding change: c.1044G>C on transcript NM_014989.7 (MANE Select); coding-DNA position 1044, G replaced by C.
Protein change: p.Glu348Asp; replaces glutamic acid 348 with aspartic acid.
Molecular consequence: missense variant.
Genome position (GRCh38, 1-based): chr6:72,182,515, G>C. VCF-style: chr6-72182515-G-C. GRCh37 (hg19) VCF-style: chr6-72892218-G-C.
Other names: short protein forms E348D.
Identifiers: ClinVar variation 2090082 (VCV002090082.4), dbSNP rs750047238, ClinGen allele CA364820139.